The following is an entry in ClinVar:

NM_002662.5(PLD1):c.1416del (p.Gln472fs)

Gene: PLD1 (phospholipase D1; minus strand). Cytogenetic location: 3q26.31.
Variant type: Deletion.
Coding change: c.1416del on transcript NM_002662.5 (MANE Select); coding-DNA position 1416, one base deleted (A; older notation c.1416delA).
Protein change: p.Gln472fs; shifts the reading frame from glutamine 472.
Molecular consequence: frameshift variant.
Genome position (GRCh38, 1-based): chr3:171,688,799, T deleted on the plus strand (A on the coding strand, the reverse complement: PLD1 is on the minus strand); the first of 2 consecutive T bases (chr3:171,688,799-171,688,800); deleting either gives the same sequence. VCF-style (leftmost placement, unchanged base first): chr3-171688798-AT-A. GRCh37 (hg19) VCF-style: chr3-171406588-AT-A.
Other names: c.1416del, p.Gln472fs (NM_001130081.3); short protein forms Q472fs.
Identifiers: ClinVar variation 1305896 (VCV001305896.4), dbSNP rs754297172, ClinGen allele CA2704621.

ClinVar aggregate classification (germline): Conflicting classifications of pathogenicity. Review status: criteria provided, conflicting classifications (1 of 4 stars). 2 submissions from 2 submitters: Pathogenic (1); Uncertain significance (1). Last evaluated 2024-05-06.

Submissions (2):

Labcorp Genetics (formerly Invitae), Labcorp
Classification: Pathogenic. Last evaluated: 2024-05-06. Review status: criteria provided, single submitter. Criteria: Invitae Variant Classification Sherloc (09022015). Collection method: clinical testing. Allele origin: germline.
Comment: This sequence change creates a premature translational stop signal (p.Gln472Hisfs*29) in the PLD1 gene. It is expected to result in an absent or disrupted protein product. Loss-of-function variants in PLD1 are known to be pathogenic (PMID: 27799408, 33645542). This variant is present in population databases (rs754297172, gnomAD 0.006%). This variant has not been reported in the literature in individuals affected with PLD1-related conditions. ClinVar contains an entry for this variant (Variation ID: 1305896). For these reasons, this variant has been classified as Pathogenic.

GeneDx
Classification: Uncertain significance. Last evaluated: 2019-05-21. Review status: criteria provided, single submitter. Criteria: GeneDx Variant Classification Process June 2021. Collection method: clinical testing. Allele origin: germline. Affected: yes.
Comment: Frameshift variant predicted to result in protein truncation or nonsense mediated decay in a gene for which loss-of-function is not a known mechanism of disease; Has not been previously published as pathogenic or benign to our knowledge; Variants in candidate genes are classified as variants of uncertain significance in accordance with ACMG guidelines (Richards et al., 2015)

Literature cited by the submitters: PubMed 27799408 (cited by Labcorp Genetics (formerly Invitae), Labcorp); PubMed 33645542 (cited by Labcorp Genetics (formerly Invitae), Labcorp).